The following is an entry in ClinVar:

NM_001365951.3(KIF1B):c.4627A>G (p.Thr1543Ala)

Gene: KIF1B (kinesin family member 1B; plus strand). Cytogenetic location: 1p36.22.
Variant type: single nucleotide variant.
Coding change: c.4627A>G on transcript NM_001365951.3 (MANE Select); coding-DNA position 4627, A replaced by G.
Protein change: p.Thr1543Ala; replaces threonine 1543 with alanine.
Molecular consequence: missense variant.
Genome position (GRCh38, 1-based): chr1:10,365,523, A>G. VCF-style: chr1-10365523-A-G. GRCh37 (hg19) VCF-style: chr1-10425581-A-G.
Other names: c.4627A>G, p.Thr1543Ala (NM_001365952.1); c.4489A>G, p.Thr1497Ala (NM_015074.3); short protein forms T1497A, T1543A.
Identifiers: ClinVar variation 1040158 (VCV001040158.11), dbSNP rs1638546150, ClinGen allele CA338322072.

ClinVar aggregate classification (germline): Uncertain significance. Review status: criteria provided, multiple submitters, no conflicts (2 of 4 stars). 2 submissions from 2 submitters: Uncertain significance (2). Last evaluated 2021-08-06.

Conditions:
Charcot-Marie-Tooth disease type 2. Also called: Charcot-Marie-Tooth type 2. Identifiers: Orphanet 64746, MedGen C0270914, MONDO:0018993.

Submissions (2):

Ambry Genetics
Classification: Uncertain significance. Last evaluated: 2021-08-06. Review status: criteria provided, single submitter. Criteria: Ambry Variant Classification Scheme 2023. Collection method: clinical testing. Allele origin: germline.
Comment: The p.T1497A variant (also known as c.4489A>G), located in coding exon 40 of the KIF1B gene, results from an A to G substitution at nucleotide position 4489. The threonine at codon 1497 is replaced by alanine, an amino acid with similar properties. This amino acid position is highly conserved in available vertebrate species. In addition, the in silico prediction for this alteration is inconclusive. Since supporting evidence is limited at this time, the clinical significance of this alteration remains unclear.

Labcorp Genetics (formerly Invitae), Labcorp
Classification: Uncertain significance for Charcot-Marie-Tooth disease type 2. Last evaluated: 2018-03-05. Review status: criteria provided, single submitter. Criteria: Invitae Variant Classification Sherloc (09022015). Collection method: clinical testing. Allele origin: germline.
Comment: This sequence change replaces threonine with alanine at codon 1497 of the KIF1B protein (p.Thr1497Ala). The threonine residue is moderately conserved and there is a small physicochemical difference between threonine and alanine. This variant is not present in population databases (ExAC no frequency). This variant has not been reported in the literature in individuals with KIF1B-related disease. Algorithms developed to predict the effect of missense changes on protein structure and function do not agree on the potential impact of this missense change (SIFT: "Tolerated"; PolyPhen-2: "Probably Damaging"; Align-GVGD: "Class C0"). In summary, the available evidence is currently insufficient to determine the role of this variant in disease. Therefore, it has been classified as a Variant of Uncertain Significance.